The following is an entry in ClinVar:

NM_016151.4(TAOK2):c.838T>G (p.Phe280Val)

Gene: TAOK2 (TAO kinase 2; plus strand). Cytogenetic location: 16p11.2.
Variant type: single nucleotide variant.
Coding change: c.838T>G on transcript NM_016151.4 (MANE Select); coding-DNA position 838, T replaced by G.
Protein change: p.Phe280Val; replaces phenylalanine 280 with valine.
Molecular consequence: missense variant.
Genome position (GRCh38, 1-based): chr16:29,982,740, T>G. VCF-style: chr16-29982740-T-G. GRCh37 (hg19) VCF-style: chr16-29994061-T-G.
Other names: c.838T>G, p.Phe280Val (NM_001252043.2, NM_004783.4); short protein forms F280V.
Identifiers: ClinVar variation 4721089 (VCV004721089.1).

ClinVar aggregate classification (germline): Uncertain significance (1 of 4 stars; one submission).

Submission:

Labcorp Genetics (formerly Invitae), Labcorp
Classification: Uncertain significance. Last evaluated: 2025-06-09. Review status: criteria provided, single submitter. Criteria: Invitae Variant Classification Sherloc (09022015). Collection method: clinical testing. Allele origin: germline.
Comment: This sequence change replaces phenylalanine, which is neutral and non-polar, with valine, which is neutral and non-polar, at codon 280 of the TAOK2 protein (p.Phe280Val). This variant is not present in population databases (gnomAD no frequency). This variant has not been reported in the literature in individuals affected with TAOK2-related conditions. An algorithm developed to predict the effect of missense changes on protein structure and function (PolyPhen-2) suggests that this variant is likely to be disruptive. In summary, the available evidence is currently insufficient to determine the role of this variant in disease. Therefore, it has been classified as a Variant of Uncertain Significance.